The following is an entry in ClinVar:

NM_172351.3(CD46):c.703A>C (p.Asn235His)

Gene: CD46 (CD46 molecule; plus strand). Cytogenetic location: 1q32.2.
Variant type: single nucleotide variant.
Coding change: c.703A>C on transcript NM_172351.3 (MANE Select); coding-DNA position 703, A replaced by C.
Protein change: p.Asn235His; replaces asparagine 235 with histidine.
Molecular consequence: missense variant.
Genome position (GRCh38, 1-based): chr1:207,767,042, A>C. VCF-style: chr1-207767042-A-C. GRCh37 (hg19) VCF-style: chr1-207940387-A-C.
Other names: c.703A>C, p.Asn235His (NM_002389.4, NM_153826.4, NM_172350.3 and 8 more transcripts); short protein forms N235H.
Identifiers: ClinVar variation 2042646 (VCV002042646.5), dbSNP rs1334882938, ClinGen allele CA344550787.

ClinVar aggregate classification (germline): Uncertain significance. Review status: criteria provided, multiple submitters, no conflicts (2 of 4 stars). 2 submissions from 2 submitters: Uncertain significance (2). Last evaluated 2025-11-02.

Allele frequency attached by ClinVar (database versions not stated): gnomAD 0.00001; gnomAD exomes below 0.00001; TOPMed 0.00004.
gnomAD v4.1: 3 of 1,613,702 alleles (0.00019%); highest among the groups gnomAD compares: African/African-American, 0.0027%; no homozygotes.

Submissions (2):

Ambry Genetics
Classification: Uncertain significance. Last evaluated: 2025-11-02. Review status: criteria provided, single submitter. Criteria: Ambry Variant Classification Scheme 2023. Collection method: clinical testing. Allele origin: germline.

Labcorp Genetics (formerly Invitae), Labcorp
Classification: Uncertain significance. Last evaluated: 2025-06-22. Review status: criteria provided, single submitter. Criteria: Invitae Variant Classification Sherloc (09022015). Collection method: clinical testing. Allele origin: germline.
Comment: This sequence change replaces asparagine, which is neutral and polar, with histidine, which is basic and polar, at codon 235 of the CD46 protein (p.Asn235His). This variant is not present in population databases (gnomAD no frequency). This variant has not been reported in the literature in individuals affected with CD46-related conditions. ClinVar contains an entry for this variant (Variation ID: 2042646). Invitae Evidence Modeling of protein sequence and biophysical properties (such as structural, functional, and spatial information, amino acid conservation, physicochemical variation, residue mobility, and thermodynamic stability) indicates that this missense variant is not expected to disrupt CD46 protein function with a negative predictive value of 80%. In summary, the available evidence is currently insufficient to determine the role of this variant in disease. Therefore, it has been classified as a Variant of Uncertain Significance.